The following is an entry in ClinVar:

NM_000702.4(ATP1A2):c.10G>A (p.Gly4Arg)

Gene: ATP1A2 (ATPase Na+/K+ transporting subunit alpha 2; plus strand). Cytogenetic location: 1q23.2.
Variant type: single nucleotide variant.
Coding change: c.10G>A on transcript NM_000702.4 (MANE Select); coding-DNA position 10, G replaced by A.
Protein change: p.Gly4Arg; replaces glycine 4 with arginine.
Molecular consequence: missense variant.
Genome position (GRCh38, 1-based): chr1:160,115,871, G>A. VCF-style: chr1-160115871-G-A. GRCh37 (hg19) VCF-style: chr1-160085661-G-A.
Other names: short protein forms G4R.
Identifiers: ClinVar variation 1932600 (VCV001932600.4), dbSNP rs2524837514, ClinGen allele CA343224936.
Genomic context (GRCh38, chr1:160,115,871, plus strand): 5'-ATCCTCCTGGTGACCTCTCCCGCTAAGGTCCCTCAGCCACTCTGCCCCAAGATGGGCCGT[G>A]GGGTGAGTATCCCTAAAGAGCAGGGGTCGCAGTCTAGAGGGTGAGGGAGGCTGCTGAGGA-3'
Protein context (NP_000693.1, residues 1-14): MGR[Gly4Arg]AGREYSPAAT

ClinVar aggregate classification (germline): Uncertain significance (1 of 4 stars; one submission).

Conditions:
Familial hemiplegic migraine. Identifiers: MedGen C0338484, MONDO:0000700.

Submission:

Labcorp Genetics (formerly Invitae), Labcorp
Classification: Uncertain significance for Familial hemiplegic migraine. Last evaluated: 2022-02-20. Review status: criteria provided, single submitter. Criteria: Invitae Variant Classification Sherloc (09022015). Collection method: clinical testing. Allele origin: germline.
Comment: In summary, the available evidence is currently insufficient to determine the role of this variant in disease. Therefore, it has been classified as a Variant of Uncertain Significance. Algorithms developed to predict the effect of missense changes on protein structure and function are either unavailable or do not agree on the potential impact of this missense change (SIFT: "Deleterious"; PolyPhen-2: "Benign"; Align-GVGD: "Class C15"). This variant has not been reported in the literature in individuals affected with ATP1A2-related conditions. This variant is not present in population databases (gnomAD no frequency). This sequence change replaces glycine, which is neutral and non-polar, with arginine, which is basic and polar, at codon 4 of the ATP1A2 protein (p.Gly4Arg).